The following is an entry in ClinVar:

NM_024757.5(EHMT1):c.32C>T (p.Ala11Val)

Gene: EHMT1 (euchromatic histone lysine methyltransferase 1; plus strand). Cytogenetic location: 9q34.3.
Variant type: single nucleotide variant.
Coding change: c.32C>T on transcript NM_024757.5 (MANE Select); coding-DNA position 32, C replaced by T.
Protein change: p.Ala11Val; replaces alanine 11 with valine.
Molecular consequence: missense variant. On other transcripts: intron variant (2).
Genome position (GRCh38, 1-based): chr9:137,710,977, C>T. VCF-style: chr9-137710977-C-T. GRCh37 (hg19) VCF-style: chr9-140605429-C-T.
Other names: c.32C>T, p.Ala11Val (NM_001145527.2, NM_001354263.2, NM_001354611.2); c.-8-5649C>T (NM_001354259.2, NM_001354612.2); short protein forms A11V.
Identifiers: ClinVar variation 287198 (VCV000287198.50), dbSNP rs200636818, ClinGen allele CA5374115.

ClinVar aggregate classification (germline): Conflicting classifications of pathogenicity. Review status: criteria provided, conflicting classifications (1 of 4 stars). 7 submissions from 7 submitters: Uncertain significance (1); Benign (1); Likely benign (4). 1 of the submissions does not count toward it. Last evaluated 2026-04-01.

Conditions:
EHMT1-related disorder. Also called: EHMT1-related condition.
Inborn genetic diseases. Identifiers: MedGen C0950123, MeSH D030342.
Kleefstra syndrome 1 (KLEFS1). Identifiers: Orphanet 261494, MedGen C0795833, MONDO:0027407, OMIM 610253.

Allele frequency attached by ClinVar (database versions not stated): gnomAD exomes 0.00010; TOPMed 0.00015; ESP Exome Variant Server 0.00019; ExAC 0.00021; gnomAD 0.00022 and 0.00023; 1000 Genomes Project 0.00040; 1000 Genomes Project 30x 0.00047.

Submissions (8):

CeGaT Center for Human Genetics Tuebingen
Classification: Likely benign. Last evaluated: 2026-04-01. Review status: criteria provided, single submitter. Criteria: CeGaT Center For Human Genetics Tuebingen Variant Classification Criteria Version 2. Collection method: clinical testing. Allele origin: germline. Affected: yes. Observed: 6 variant alleles.
Comment: EHMT1: BP4, BS2

Labcorp Genetics (formerly Invitae), Labcorp
Classification: Benign for Kleefstra syndrome 1. Last evaluated: 2025-12-08. Review status: criteria provided, single submitter. Criteria: Invitae Variant Classification Sherloc (09022015). Collection method: clinical testing. Allele origin: germline.

Laboratory of Genetics, Children's Clinical University Hospital Latvia
Classification: Likely benign. Last evaluated: 2025-02-16. Review status: criteria provided, single submitter. Criteria: ACMG Guidelines, 2015. Collection method: clinical testing. Allele origin: germline. Affected: yes.

Ambry Genetics
Classification: Likely benign for Inborn genetic diseases. Last evaluated: 2022-06-14. Review status: criteria provided, single submitter. Criteria: Ambry Variant Classification Scheme 2023. Collection method: clinical testing. Allele origin: germline.

GeneDx
Classification: Likely benign. Last evaluated: 2020-01-21. Review status: criteria provided, single submitter. Criteria: GeneDx Variant Classification Process June 2021. Collection method: clinical testing. Allele origin: germline. Affected: yes.

Eurofins Ntd Llc (ga)
Classification: Uncertain significance. Last evaluated: 2016-05-23. Review status: criteria provided, single submitter. Criteria: EGL Classification Definitions 2015. Collection method: clinical testing. Allele origin: germline. Observed: 2 variant alleles, 2 heterozygotes.

PreventionGenetics, part of Exact Sciences
Classification: Likely benign for EHMT1-related condition. Last evaluated: 2024-01-22. Review status: no assertion criteria provided. Collection method: clinical testing. Allele origin: germline. Not counted in ClinVar's aggregate classification.
Comment: This variant is classified as likely benign based on ACMG/AMP sequence variant interpretation guidelines (Richards et al. 2015 PMID: 25741868, with internal and published modifications).

Dr. Peter K. Rogan Lab, Western University
No classification provided (evidence only). Condition: Familial cancer of breast. Review status: no classification provided. Collection method: in vitro. Allele origin: not applicable. Functional consequence: skipped exon. Not counted in ClinVar's aggregate classification.